The following is an entry in ClinVar:

NM_002641.4(PIGA):c.525T>C (p.Leu175=)

Gene: PIGA (phosphatidylinositol glycan anchor biosynthesis class A; minus strand). Cytogenetic location: Xp22.2.
Variant type: single nucleotide variant.
Coding change: c.525T>C on transcript NM_002641.4 (MANE Select); coding-DNA position 525, T replaced by C.
Protein change: p.Leu175=; no amino-acid change (leucine 175 retained).
Molecular consequence: synonymous variant. On other transcripts: intron variant (1).
Genome position (GRCh38, 1-based): chrX:15,331,406, A>G on the plus strand (T>C on the coding strand, the complement: PIGA is on the minus strand). VCF-style: chrX-15331406-A-G. GRCh37 (hg19) VCF-style: chrX-15349528-A-G.
Other names: c.13+4095T>C (NM_020473.3).
Identifiers: ClinVar variation 471952 (VCV000471952.18), dbSNP rs61751426, ClinGen allele CA10354150.
Genomic context (GRCh38, chrX:15,331,406, plus strand): 5'-TCTTAGTACAGTATTTTCCTTACTAGTATAAGACACACAAATGATGTGGTTTGTATCACA[A>G]AGAGACACGGTTAGAAGCTTGTTTGTAAGCACCGAGCTGACATCAGCAAATCCAAAAAGG-3'
Protein context (NP_002632.1, residues 165-185): VLTNKLLTVS[Leu175=]CDTNHIICVS

ClinVar aggregate classification (germline): Benign/Likely benign. Review status: criteria provided, multiple submitters, no conflicts (2 of 4 stars). 5 submissions from 5 submitters: Benign (3); Likely benign (2). Last evaluated 2025-12-28.

Conditions:
Inborn genetic diseases. Identifiers: MedGen C0950123, MeSH D030342.
Multiple congenital anomalies-hypotonia-seizures syndrome 2 (MCAHS2). Also called: EPILEPTIC ENCEPHALOPATHY, EARLY INFANTILE, 20; GLYCOSYLPHOSPHATIDYLINOSITOL BIOSYNTHESIS DEFECT 4. Identifiers: Orphanet 300496, MedGen C3275508, MONDO:0010466, OMIM 300868.
Neurodevelopmental disorder with epilepsy and hemochromatosis (NEDEPH). Identifiers: MedGen CN307964, OMIM 301072.
Paroxysmal nocturnal hemoglobinuria 1 (PNH1). Identifiers: Orphanet 447, MedGen C3806670, MONDO:0010438, OMIM 300818.

Allele frequency attached by ClinVar (database versions not stated): gnomAD 0.00026 and 0.00036; TOPMed 0.00056; gnomAD exomes 0.00057 and 0.00100; ExAC 0.00107; 1000 Genomes Project 30x 0.00187; 1000 Genomes Project 0.00212.

Submissions (5):

Labcorp Genetics (formerly Invitae), Labcorp
Classification: Benign for Multiple congenital anomalies-hypotonia-seizures syndrome 2. Last evaluated: 2025-12-28. Review status: criteria provided, single submitter. Criteria: Invitae Variant Classification Sherloc (09022015). Collection method: clinical testing. Allele origin: germline.

Blueprint Genetics
Classification: Likely benign. Last evaluated: 2024-10-03. Review status: criteria provided, single submitter. Criteria: ACMG Guidelines, 2015. Collection method: clinical testing. Allele origin: germline.

Fulgent Genetics
Classification: Likely benign for Paroxysmal nocturnal hemoglobinuria 1; Multiple congenital anomalies-hypotonia-seizures syndrome 2; Neurodevelopmental disorder with epilepsy and hemochromatosis. Last evaluated: 2021-12-23. Review status: criteria provided, single submitter. Criteria: ACMG Guidelines, 2015. Collection method: clinical testing. Allele origin: unknown.

GeneDx
Classification: Benign. Last evaluated: 2017-12-05. Review status: criteria provided, single submitter. Criteria: GeneDx Variant Classification (06012015). Collection method: clinical testing. Allele origin: germline. Affected: yes.
Comment: This variant is considered likely benign or benign based on one or more of the following criteria: it is a conservative change, it occurs at a poorly conserved position in the protein, it is predicted to be benign by multiple in silico algorithms, and/or has population frequency not consistent with disease.

Ambry Genetics
Classification: Benign for Inborn genetic diseases. Last evaluated: 2017-02-11. Review status: criteria provided, single submitter. Criteria: Ambry Variant Classification Scheme 2023. Collection method: clinical testing. Allele origin: germline.